The following is an entry in ClinVar:

ClinVar aggregate classification (germline): Pathogenic/Likely pathogenic. Review status: criteria provided, multiple submitters, no conflicts (2 of 4 stars). 7 submissions from 7 submitters: Pathogenic (5); Likely pathogenic (2). Last evaluated 2026-03-18.

Conditions:
COL7A1-related disorder. Also called: COL7A1- related disorders; COL7A1-related condition.
Epidermolysis bullosa dystrophica. Also called: Dystrophic epidermolysis bullosa, Hallopeau-Siemens type (formerly); Dystrophic epidermolysis bullosa. Identifiers: Orphanet 303, MedGen C0079294, MONDO:0006543.
Recessive dystrophic epidermolysis bullosa (RDEB). Also called: EPIDERMOLYSIS BULLOSA DYSTROPHICA, GENERALIZED SEVERE, AUTOSOMAL RECESSIVE; Epidermolysis Bullosa Distrophica Autosomal Recessive (RDEB); DYSTROPHIC EPIDERMOLYSIS BULLOSA, AUTOSOMAL RECESSIVE; EPIDERMOLYSIS BULLOSA DYSTROPHICA, HALLOPEAU-SIEMENS TYPE; severe generalized recessive dystrophic epidermolysis bullosa; Recessive DEB (RDEB). Identifiers: Orphanet 79408, Orphanet 79409, MedGen C0079474, MONDO:0009179, OMIM 226600.

Allele frequency attached by ClinVar (database versions not stated): TOPMed 0.00001.
gnomAD v4.1: 9 of 1,613,862 alleles (0.00056%); highest among the groups gnomAD compares: African/African-American, 0.0013%; no homozygotes.

Submissions (7):

PreventionGenetics, part of Exact Sciences
Classification: Pathogenic for COL7A1-related condition. Last evaluated: 2026-03-18. Review status: criteria provided, single submitter. Criteria: ACMG Guidelines, 2015. Collection method: clinical testing. Allele origin: germline.
Comment: The COL7A1 c.2587+1G>A variant is predicted to disrupt the GT donor site and interfere with normal splicing. This variant has been reported in individuals with autosomal recessive dystrophic epidermolysis bullosa (RDEB) (Kern et al. 2009. PubMed ID: 19681861; Yu et al. 2021. PubMed ID: 34046686). This variant has not been reported in a large population database (gnomAD), indicating this variant is rare. Variants that disrupt the consensus splice donor site in COL7A1 are expected to be pathogenic. This variant is interpreted as pathogenic.

Labcorp Genetics (formerly Invitae), Labcorp
Classification: Pathogenic. Last evaluated: 2026-01-11. Review status: criteria provided, single submitter. Criteria: Invitae Variant Classification Sherloc (09022015). Collection method: clinical testing. Allele origin: germline.
Comment: This sequence change affects a donor splice site in intron 19 of the COL7A1 gene. It is expected to disrupt RNA splicing. Variants that disrupt the donor or acceptor splice site typically lead to a loss of protein function (PMID: 16199547), and loss-of-function variants in COL7A1 are known to be pathogenic (PMID: 16971478). This variant is not present in population databases (gnomAD no frequency). Disruption of this splice site has been observed in individual(s) with recessive dystrophic epidermolysis bullosa (PMID: 19681861, 34046686). ClinVar contains an entry for this variant (Variation ID: 1032184). For these reasons, this variant has been classified as Pathogenic.

Natera, Inc.
Classification: Likely pathogenic for Dystrophic epidermolysis bullosa. Last evaluated: 2025-08-03. Review status: criteria provided, single submitter. Criteria: Natera Variant Classification Schema (03/2026). Collection method: clinical testing. Allele origin: germline.
Comment: The c.2587+1G>A variant in COL7A1 is a canonical splice donor site variant predicted to affect pre-mRNA splicing, which may result in an abnormal transcript and altered protein product. This variant may result in a truncated or dysfunctional protein product. This variant is rare in the general population with a frequency below the threshold expected for the associated phenotype(s). This variant has been observed in one or more individuals affected with the associated recessive disease, as either homozygous or compound heterozygous with a second variant (PMID: 34046686, 19681861). Given the available evidence, this variant is classified as Likely Pathogenic.

Myriad Genetics, Inc.
Classification: Pathogenic for Recessive dystrophic epidermolysis bullosa. Last evaluated: 2025-06-25. Review status: criteria provided, single submitter. Criteria: Myriad Autosomal Dominant, Autosomal Recessive and X-Linked Classification Criteria (2023). Collection method: clinical testing. Allele origin: unknown.
Comment: NM_000094.3(COL7A1):c.2587+1G>A is a variant in a canonical splice site classified as pathogenic in the context of dystrophic epidermolysis bullosa. c.2587+1G>A has been observed in cases with relevant disease (PMID: 19681861, 34046686). Relevant functional assessments of this variant are not available in the literature. c.2587+1G>A has been observed in referenced population frequency databases. In summary, NM_000094.3(COL7A1):c.2587+1G>A is a variant in a canonical splice site that has been observed more frequently in cases with the relevant disease than in healthy populations. Please note: this variant was assessed in the context of healthy population screening.

CeGaT Center for Human Genetics Tuebingen
Classification: Pathogenic. Last evaluated: 2025-04-01. Review status: criteria provided, single submitter. Criteria: CeGaT Center For Human Genetics Tuebingen Variant Classification Criteria Version 2. Collection method: clinical testing. Allele origin: germline. Affected: yes. Observed: 1 variant allele.
Comment: COL7A1: PM3:Strong, PVS1:Strong, PM2

GeneDx
Classification: Pathogenic. Last evaluated: 2020-10-09. Review status: criteria provided, single submitter. Criteria: GeneDx Variant Classification Process June 2021. Collection method: clinical testing. Allele origin: germline. Affected: yes.
Comment: Reported with a pathogenic variant in a patient with dystrophic epidermolysis bullosa, but it is not known whether the variants occurred on the same (in cis) or on different (in trans) chromosomes (Kern et al., 2009); Canonical splice site variant predicted to result in a null allele in a gene for which loss-of-function is a known mechanism of disease; This variant is associated with the following publications: (PMID: 25525159, 19681861, 34046686)

Juno Genomics, Hangzhou Juno Genomics, Inc
Classification: Likely pathogenic for Recessive dystrophic epidermolysis bullosa. Review status: criteria provided, single submitter. Criteria: ACMG Guidelines, 2015. Collection method: clinical testing. Allele origin: germline.
Comment: Absent from controls (or at extremely low frequency if recessive) in Genome Aggregation Database.;Null variant in a gene where loss of function (LOF) is a known mechanism of disease.;For recessive disorders, detected in trans with a pathogenic variant.;Patient's phenotype or family history is highly specific for a disease with a single genetic etiology.

Literature cited by the submitters: PubMed 16199547 (cited by Labcorp Genetics (formerly Invitae), Labcorp); PubMed 16971478 (cited by Labcorp Genetics (formerly Invitae), Labcorp); PubMed 19681861 (cited by 3 submitters); PubMed 34046686 (cited by 3 submitters).

NM_000094.4(COL7A1):c.2587+1G>A

Gene: COL7A1 (collagen type VII alpha 1 chain; minus strand). Cytogenetic location: 3p21.31.
Variant type: single nucleotide variant.
Coding change: c.2587+1G>A on transcript NM_000094.4 (MANE Select); the canonical splice donor site of the intron after coding-DNA position 2587, G replaced by A.
Molecular consequence: splice donor variant.
Genome position (GRCh38, 1-based): chr3:48,588,641, C>T on the plus strand (G>A on the coding strand, the complement: COL7A1 is on the minus strand). VCF-style: chr3-48588641-C-T. GRCh37 (hg19) VCF-style: chr3-48626074-C-T.
Identifiers: ClinVar variation 1032184 (VCV001032184.19), dbSNP rs1294265690, ClinGen allele CA352718312.